The following is an entry in ClinVar:

ClinVar aggregate classification (germline): Uncertain significance (1 of 4 stars; one submission).

Allele frequency attached by ClinVar (database versions not stated): gnomAD 0.00001.
gnomAD v4.1: 2 of 1,613,940 alleles (0.00012%); highest among the groups gnomAD compares: Admixed American, 0.0017%; no homozygotes.

Submission:

Labcorp Genetics (formerly Invitae), Labcorp
Classification: Uncertain significance. Last evaluated: 2025-02-19. Review status: criteria provided, single submitter. Criteria: Invitae Variant Classification Sherloc (09022015). Collection method: clinical testing. Allele origin: germline.
Comment: This sequence change replaces valine, which is neutral and non-polar, with isoleucine, which is neutral and non-polar, at codon 1147 of the DUOX2 protein (p.Val1147Ile). This variant is not present in population databases (gnomAD no frequency). This variant has not been reported in the literature in individuals affected with DUOX2-related conditions. ClinVar contains an entry for this variant (Variation ID: 1954075). Invitae Evidence Modeling of protein sequence and biophysical properties (such as structural, functional, and spatial information, amino acid conservation, physicochemical variation, residue mobility, and thermodynamic stability) indicates that this missense variant is not expected to disrupt DUOX2 protein function with a negative predictive value of 80%. In summary, the available evidence is currently insufficient to determine the role of this variant in disease. Therefore, it has been classified as a Variant of Uncertain Significance.

NM_001363711.2(DUOX2):c.3439G>A (p.Val1147Ile)

Gene: DUOX2 (dual oxidase 2; minus strand). Cytogenetic location: 15q21.1.
Variant type: single nucleotide variant.
Coding change: c.3439G>A on transcript NM_001363711.2 (MANE Select); coding-DNA position 3439, G replaced by A.
Protein change: p.Val1147Ile; replaces valine 1147 with isoleucine.
Molecular consequence: missense variant.
Genome position (GRCh38, 1-based): chr15:45,099,459, C>T on the plus strand (G>A on the coding strand, the complement: DUOX2 is on the minus strand). VCF-style: chr15-45099459-C-T. GRCh37 (hg19) VCF-style: chr15-45391657-C-T.
Other names: c.3439G>A, p.Val1147Ile (NM_014080.5); short protein forms V1147I.
Identifiers: ClinVar variation 1954075 (VCV001954075.5), dbSNP rs1401664811, ClinGen allele CA392259370.